The following is an entry in ClinVar:

NM_024422.6(DSC2):c.734A>G (p.Glu245Gly)

Gene: DSC2 (desmocollin 2; minus strand). Cytogenetic location: 18q12.1.
Variant type: single nucleotide variant.
Coding change: c.734A>G on transcript NM_024422.6 (MANE Select); coding-DNA position 734, A replaced by G.
Protein change: p.Glu245Gly; replaces glutamic acid 245 with glycine.
Molecular consequence: missense variant.
Genome position (GRCh38, 1-based): chr18:31,087,710, T>C on the plus strand (A>G on the coding strand, the complement: DSC2 is on the minus strand). VCF-style: chr18-31087710-T-C. GRCh37 (hg19) VCF-style: chr18-28667673-T-C.
Other names: c.734A>G, p.Glu245Gly (NM_004949.5); short protein forms E245G.
Identifiers: ClinVar variation 1172331 (VCV001172331.12), dbSNP rs373201722, ClinGen allele CA297640587.

ClinVar aggregate classification (germline): Uncertain significance. Review status: criteria provided, multiple submitters, no conflicts (2 of 4 stars). 3 submissions from 3 submitters: Uncertain significance (3). Last evaluated 2026-01-20.

Conditions:
Cardiomyopathy (CMYO). Also called: Cardiomyopathies. Identifiers: Orphanet 167848, MedGen C0878544, MONDO:0004994, HP:0001638. Inheritance: Various modes of inheritance.
Arrhythmogenic right ventricular dysplasia 11. Also called: Arrhythmogenic Right Ventricular Dysplasia/Cardiomyopathy11; ARRHYTHMOGENIC RIGHT VENTRICULAR DYSPLASIA, FAMILIAL, 11; Arrhythmogenic right ventricular dysplasia 11 with mild palmoplantar keratoderma and woolly hair. Identifiers: MedGen C1864850, MONDO:0012506, OMIM 610476.

Submissions (3):

Labcorp Genetics (formerly Invitae), Labcorp
Classification: Uncertain significance for Arrhythmogenic right ventricular dysplasia 11. Last evaluated: 2026-01-20. Review status: criteria provided, single submitter. Criteria: Invitae Variant Classification Sherloc (09022015). Collection method: clinical testing. Allele origin: germline.
Comment: This sequence change replaces glutamic acid, which is acidic and polar, with glycine, which is neutral and non-polar, at codon 245 of the DSC2 protein (p.Glu245Gly). This variant is not present in population databases (gnomAD no frequency). This variant has not been reported in the literature in individuals affected with DSC2-related conditions. ClinVar contains an entry for this variant (Variation ID: 1172331). Invitae Evidence Modeling of protein sequence and biophysical properties (such as structural, functional, and spatial information, amino acid conservation, physicochemical variation, residue mobility, and thermodynamic stability) has been performed for this missense variant. However, the output from this modeling did not meet the statistical confidence thresholds required to predict the impact of this variant on DSC2 protein function. In summary, the available evidence is currently insufficient to determine the role of this variant in disease. Therefore, it has been classified as a Variant of Uncertain Significance.

Color Diagnostics, LLC DBA Color Health
Classification: Uncertain significance for Cardiomyopathy. Last evaluated: 2024-03-07. Review status: criteria provided, single submitter. Criteria: ACMG Guidelines, 2015. Collection method: clinical testing. Allele origin: germline.
Comment: This missense variant replaces glutamic acid with glycine at codon 245 of the DSC2 protein. Computational prediction suggests that this variant may not impact protein structure and function (internally defined REVEL score threshold <= 0.5, PMID: 27666373). To our knowledge, functional studies have not been reported for this variant. This variant has not been reported in individuals affected with cardiovascular disorders in the literature. This variant has not been identified in the general population by the Genome Aggregation Database (gnomAD). The available evidence is insufficient to determine the role of this variant in disease conclusively. Therefore, this variant is classified as a Variant of Uncertain Significance.

Fulgent Genetics
Classification: Uncertain significance for Arrhythmogenic right ventricular dysplasia 11. Last evaluated: 2021-11-11. Review status: criteria provided, single submitter. Criteria: ACMG Guidelines, 2015. Collection method: clinical testing. Allele origin: unknown.